The following is an entry in ClinVar:

NM_001322934.2(NFKB2):c.1124G>A (p.Ser375Asn)

Genes: NFKB2 (nuclear factor kappa B subunit 2; plus strand), LOC130004599 (ATAC-STARR-seq lymphoblastoid silent region 2756; plus strand). Cytogenetic location: 10q24.32.
Variant type: single nucleotide variant.
Coding change: c.1124G>A on transcript NM_001322934.2 (MANE Select); coding-DNA position 1124, G replaced by A.
Protein change: p.Ser375Asn; replaces serine 375 with asparagine.
Molecular consequence: missense variant.
Genome position (GRCh38, 1-based): chr10:102,399,294, G>A. VCF-style: chr10-102399294-G-A. GRCh37 (hg19) VCF-style: chr10-104159051-G-A.
Other names: c.1124G>A, p.Ser375Asn (NM_001077494.3, NM_001261403.3, NM_001288724.1 and 1 more transcripts); c.998G>A, p.Ser333Asn (NM_001322935.1); short protein forms S333N, S375N.
Identifiers: ClinVar variation 1314857 (VCV001314857.2), dbSNP rs2135434553, ClinGen allele CA377898584.

ClinVar aggregate classification (germline): Uncertain significance (1 of 4 stars; one submission).

Submission:

GeneDx
Classification: Uncertain significance. Last evaluated: 2021-04-09. Review status: criteria provided, single submitter. Criteria: GeneDx Variant Classification Process June 2021. Collection method: clinical testing. Allele origin: germline. Affected: yes.
Comment: Not observed in large population cohorts (Lek et al., 2016); In silico analysis supports that this missense variant does not alter protein structure/function; Has not been previously published as pathogenic or benign to our knowledge